The following is an entry in ClinVar:

NM_152564.5(VPS13B):c.1574C>G (p.Thr525Ser)

Gene: VPS13B (vacuolar protein sorting 13 homolog B; plus strand). Cytogenetic location: 8q22.2.
Variant type: single nucleotide variant.
Coding change: c.1574C>G on transcript NM_152564.5 (MANE Select); coding-DNA position 1574, C replaced by G.
Protein change: p.Thr525Ser; replaces threonine 525 with serine.
Molecular consequence: missense variant.
Genome position (GRCh38, 1-based): chr8:99,136,675, C>G. VCF-style: chr8-99136675-C-G. GRCh37 (hg19) VCF-style: chr8-100148903-C-G.
Other names: c.1574C>G, p.Thr525Ser (NM_015243.3, NM_017890.5); short protein forms T525S.
Identifiers: ClinVar variation 1477085 (VCV001477085.8), dbSNP rs2132559245, ClinGen allele CA371863438.
Genomic context (GRCh38, chr8:99,136,675, plus strand): 5'-AAAGTTTCTTTTATACAATGTTTATTCTGTTTGCATTGCTTTGTTGGCAGGAGACATACA[C>G]TGAGATAGCTGGAATGCAACGGTTTGGGGCTTTTTATATGGATTACCTGTATACAATGGA-3'
Protein context (NP_689777.3, residues 515-535): LDSTHHKETY[Thr525Ser]EIAGMQRFGA

ClinVar aggregate classification (germline): Uncertain significance (1 of 4 stars; one submission).

Conditions:
Cohen syndrome (COH1). Also called: PEPPER SYNDROME; Cutis verticis gyrata, retinitis pigmentosa, and sensorineural deafness. Identifiers: Orphanet 193, MedGen C0265223, MONDO:0008999, OMIM 216550.

Submission:

Labcorp Genetics (formerly Invitae), Labcorp
Classification: Uncertain significance for Cohen syndrome. Last evaluated: 2021-07-22. Review status: criteria provided, single submitter. Criteria: Invitae Variant Classification Sherloc (09022015). Collection method: clinical testing. Allele origin: germline.
Comment: This sequence change replaces threonine with serine at codon 525 of the VPS13B protein (p.Thr525Ser). The threonine residue is weakly conserved and there is a small physicochemical difference between threonine and serine. This variant is not present in population databases (ExAC no frequency). In summary, the available evidence is currently insufficient to determine the role of this variant in disease. Therefore, it has been classified as a Variant of Uncertain Significance. Algorithms developed to predict the effect of sequence changes on RNA splicing suggest that this variant may create or strengthen a splice site, but this prediction has not been confirmed by published transcriptional studies. Algorithms developed to predict the effect of missense changes on protein structure and function are either unavailable or do not agree on the potential impact of this missense change (SIFT: "Not Available"; PolyPhen-2: "Possibly Damaging"; Align-GVGD: "Not Available"). This variant has not been reported in the literature in individuals with VPS13B-related conditions.